The following is an entry in ClinVar:

ClinVar aggregate classification (germline): Conflicting classifications of pathogenicity. Review status: criteria provided, conflicting classifications (1 of 4 stars). 5 submissions from 5 submitters: Likely pathogenic (2); Uncertain significance (1). 2 of the submissions do not count toward it. Last evaluated 2025-07-29.

Conditions:
Carnitine palmitoyl transferase 1A deficiency. Also called: CPT deficiency, hepatic, type IA; CPT I DEFICIENCY; CPT DEFICIENCY, HEPATIC, TYPE I; Carnitine palmitoyltransferase type I deficiency; Carnitine palmitoyltransferase 1A deficiency. Identifiers: Orphanet 156, MedGen C1829703, MONDO:0009705, OMIM 255120.

Allele frequency attached by ClinVar (database versions not stated): TOPMed below 0.00001; ExAC 0.00001; gnomAD 0.00001; gnomAD exomes 0.00001.
gnomAD v4.1: 15 of 1,614,106 alleles (0.00093%); highest among the groups gnomAD compares: East Asian, 0.0045%; no homozygotes.

Submissions (5):

Myriad Genetics, Inc.
Classification: Uncertain significance for Carnitine palmitoyl transferase 1A deficiency. Last evaluated: 2025-07-29. Review status: criteria provided, single submitter. Criteria: Myriad Autosomal Dominant, Autosomal Recessive and X-Linked Classification Criteria (2023). Collection method: clinical testing. Allele origin: unknown.
Comment: NM_001876.3(CPT1A):c.1393G>A(G465R) is a missense variant classified as a variant of uncertain significance in the context of carnitine palmitoyltransferase IA deficiency. G465R has been observed in a case with relevant disease (PMID: 27066452). Relevant functional assessments of this variant are not available in the literature. G465R has not been observed in referenced population frequency databases. In summary, there is insufficient evidence to classify NM_001876.3(CPT1A):c.1393G>A(G465R) as pathogenic or benign. Please note: this variant was assessed in the context of healthy population screening.

Women's Health and Genetics/Laboratory Corporation of America, LabCorp
Classification: Likely pathogenic for Carnitine palmitoyl transferase 1A deficiency. Last evaluated: 2025-06-25. Review status: criteria provided, single submitter. Criteria: LabCorp Variant Classification Summary - May 2015. Collection method: clinical testing. Allele origin: germline.
Comment: Variant summary: CPT1A c.1393G>A (p.Gly465Arg) results in a non-conservative amino acid change located in the Choline/carnitine acyltransferase domain (IPR039551) of the encoded protein sequence. Algorithms developed to predict the effect of missense changes on protein structure and function all suggest that this variant is likely to be disruptive. The variant was absent in 251492 control chromosomes. c.1393G>A has been reported in the literature in homozygous or compound heterozygous individuals affected with Carnitine Palmitoyltransferase I Deficiency (Boonsimma_2021, Choi_2016, Kim_2023). These data indicate that the variant may be associated with disease. A different variant affecting the same codon has been classified as likely pathogenic (c.1394G>A, p.Gly465Glu), supporting the critical relevance of codon 465 to CPT1A protein function. To our knowledge, no experimental evidence demonstrating an impact on protein function has been reported. The following publications have been ascertained in the context of this evaluation (PMID: 32781271, 27066452, 36544340). ClinVar contains an entry for this variant (Variation ID: 551684). Based on the evidence outlined above, the variant was classified as likely pathogenic.

Labcorp Genetics (formerly Invitae), Labcorp
Classification: Likely pathogenic for Carnitine palmitoyl transferase 1A deficiency. Last evaluated: 2024-03-02. Review status: criteria provided, single submitter. Criteria: Invitae Variant Classification Sherloc (09022015). Collection method: clinical testing. Allele origin: germline.
Comment: This sequence change replaces glycine, which is neutral and non-polar, with arginine, which is basic and polar, at codon 465 of the CPT1A protein (p.Gly465Arg). This variant is present in population databases (rs80356784, gnomAD 0.004%). This missense change has been observed in individual(s) with carnitine palmitoyltransferase I (CPT1) deficiency (PMID: 27066452). ClinVar contains an entry for this variant (Variation ID: 551684). Advanced modeling of protein sequence and biophysical properties (such as structural, functional, and spatial information, amino acid conservation, physicochemical variation, residue mobility, and thermodynamic stability) performed at Invitae indicates that this missense variant is expected to disrupt CPT1A protein function with a positive predictive value of 95%. Algorithms developed to predict the effect of sequence changes on RNA splicing suggest that this variant may disrupt the consensus splice site. This variant disrupts the p.Gly465 amino acid residue in CPT1A. Other variant(s) that disrupt this residue have been observed in individuals with CPT1A-related conditions (PMID: 15110323, 32781271), which suggests that this may be a clinically significant amino acid residue. In summary, the currently available evidence indicates that the variant is pathogenic, but additional data are needed to prove that conclusively. Therefore, this variant has been classified as Likely Pathogenic.

Natera, Inc.
Classification: Uncertain significance for Carnitine palmitoyltransferase type I deficiency. Last evaluated: 2020-12-04. Review status: no assertion criteria provided. Collection method: clinical testing. Allele origin: germline. Not counted in ClinVar's aggregate classification.

Counsyl
Classification: Uncertain significance for Carnitine palmitoyl transferase 1A deficiency. Last evaluated: 2017-05-01. Review status: no assertion criteria provided. Collection method: clinical testing. Allele origin: unknown. Not counted in ClinVar's aggregate classification.

Literature cited by the submitters: PubMed 27066452 (cited by 4 submitters); PubMed 36544340 (cited by Women's Health and Genetics/Laboratory Corporation of America, LabCorp); PubMed 32781271 (cited by Women's Health and Genetics/Laboratory Corporation of America, LabCorp and Labcorp Genetics (formerly Invitae), Labcorp); PubMed 15110323 (cited by Labcorp Genetics (formerly Invitae), Labcorp).

NM_001876.4(CPT1A):c.1393G>A (p.Gly465Arg)

Gene: CPT1A (carnitine palmitoyltransferase 1A; minus strand). Cytogenetic location: 11q13.3.
Variant type: single nucleotide variant.
Coding change: c.1393G>A on transcript NM_001876.4 (MANE Select); coding-DNA position 1393, G replaced by A.
Protein change: p.Gly465Arg; replaces glycine 465 with arginine.
Molecular consequence: missense variant.
Genome position (GRCh38, 1-based): chr11:68,780,705, C>T on the plus strand (G>A on the coding strand, the complement: CPT1A is on the minus strand). VCF-style: chr11-68780705-C-T. GRCh37 (hg19) VCF-style: chr11-68548173-C-T.
Other names: c.1393G>A, p.Gly465Arg (NM_001031847.3); short protein forms G465R.
Identifiers: ClinVar variation 551684 (VCV000551684.14), dbSNP rs80356784, ClinGen allele CA6152314.